The following is an entry in ClinVar:

ClinVar aggregate classification (germline): Likely benign (1 of 4 stars; one submission).

gnomAD v4.1: 7 of 1,613,258 alleles (0.00043%); highest among the groups gnomAD compares: Admixed American, 0.0033%; no homozygotes.

Submission:

CeGaT Center for Human Genetics Tuebingen
Classification: Likely benign. Last evaluated: 2024-07-01. Review status: criteria provided, single submitter. Criteria: CeGaT Center For Human Genetics Tuebingen Variant Classification Criteria Version 2. Collection method: clinical testing. Allele origin: germline. Affected: yes. Observed: 1 variant allele.
Comment: LAMA1: BP4, BP7

NM_005559.4(LAMA1):c.1827C>T (p.Asp609=)

Gene: LAMA1 (laminin subunit alpha 1; minus strand). Cytogenetic location: 18p11.31.
Variant type: single nucleotide variant.
Coding change: c.1827C>T on transcript NM_005559.4 (MANE Select); coding-DNA position 1827, C replaced by T.
Protein change: p.Asp609=; no amino-acid change (aspartic acid 609 retained).
Molecular consequence: synonymous variant.
Genome position (GRCh38, 1-based): chr18:7,035,999, G>A on the plus strand (C>T on the coding strand, the complement: LAMA1 is on the minus strand). VCF-style: chr18-7035999-G-A. GRCh37 (hg19) VCF-style: chr18-7035998-G-A.
Identifiers: ClinVar variation 3257269 (VCV003257269.17).